The following is an entry in ClinVar:

NM_004360.5(CDH1):c.2414A>C (p.Asp805Ala)

Gene: CDH1 (cadherin 1; plus strand). Cytogenetic location: 16q22.1.
Variant type: single nucleotide variant.
Coding change: c.2414A>C on transcript NM_004360.5 (MANE Select); coding-DNA position 2414, A replaced by C.
Protein change: p.Asp805Ala; replaces aspartic acid 805 with alanine.
Molecular consequence: missense variant.
Genome position (GRCh38, 1-based): chr16:68,829,772, A>C. VCF-style: chr16-68829772-A-C. GRCh37 (hg19) VCF-style: chr16-68863675-A-C.
Other names: c.2231A>C, p.Asp744Ala (NM_001317184.2); c.866A>C, p.Asp289Ala (NM_001317185.2); c.449A>C, p.Asp150Ala (NM_001317186.2); short protein forms D150A, D289A, D744A, D805A.
Identifiers: ClinVar variation 4868401 (VCV004868401.1).

ClinVar aggregate classification (germline): Uncertain significance (1 of 4 stars; one submission).

Conditions:
Hereditary cancer-predisposing syndrome. Also called: Neoplastic Syndromes, Hereditary; Tumor predisposition; Hereditary Cancer Syndrome; Hereditary neoplastic syndrome. Identifiers: Orphanet 140162, MedGen C0027672, MeSH D009386, MONDO:0015356.

Submission:

Ambry Genetics
Classification: Uncertain significance for Hereditary cancer-predisposing syndrome. Last evaluated: 2026-04-23. Review status: criteria provided, single submitter. Criteria: Ambry Variant Classification Scheme 2023. Collection method: clinical testing. Allele origin: germline.
Comment: The p.D805A variant (also known as c.2414A>C), located in coding exon 15 of the CDH1 gene, results from an A to C substitution at nucleotide position 2414. The aspartic acid at codon 805 is replaced by alanine, an amino acid with dissimilar properties. This amino acid position is conserved. In addition, the in silico prediction for this alteration is inconclusive. Based on the available evidence, the clinical significance of this variant remains unclear.